The following is an entry in ClinVar:

ClinVar aggregate classification (germline): Uncertain significance. Review status: criteria provided, multiple submitters, no conflicts (2 of 4 stars). 2 submissions from 2 submitters: Uncertain significance (2). Last evaluated 2024-12-16.

gnomAD v4.1: 22 of 1,612,988 alleles (0.0014%); highest among the groups gnomAD compares: Admixed American, 0.033%; no homozygotes.

Submissions (2):

Labcorp Genetics (formerly Invitae), Labcorp
Classification: Uncertain significance. Last evaluated: 2024-12-16. Review status: criteria provided, single submitter. Criteria: Invitae Variant Classification Sherloc (09022015). Collection method: clinical testing. Allele origin: germline.
Comment: This sequence change replaces valine, which is neutral and non-polar, with leucine, which is neutral and non-polar, at codon 742 of the AGAP1 protein (p.Val742Leu). This variant is present in population databases (rs150374292, gnomAD 0.006%). This variant has not been reported in the literature in individuals affected with AGAP1-related conditions. ClinVar contains an entry for this variant (Variation ID: 2175048). An algorithm developed to predict the effect of missense changes on protein structure and function (PolyPhen-2) suggests that this variant is likely to be tolerated. In summary, the available evidence is currently insufficient to determine the role of this variant in disease. Therefore, it has been classified as a Variant of Uncertain Significance.

Ambry Genetics
Classification: Uncertain significance. Last evaluated: 2024-08-15. Review status: criteria provided, single submitter. Criteria: Ambry Variant Classification Scheme 2023. Collection method: clinical testing. Allele origin: germline.

NM_001037131.3(AGAP1):c.2383G>C (p.Val795Leu)

Gene: AGAP1 (ArfGAP with GTPase domain, ankyrin repeat and PH domain 1; plus strand). Cytogenetic location: 2q37.2.
Variant type: single nucleotide variant.
Coding change: c.2383G>C on transcript NM_001037131.3 (MANE Select); coding-DNA position 2383, G replaced by C.
Protein change: p.Val795Leu; replaces valine 795 with leucine.
Molecular consequence: missense variant.
Genome position (GRCh38, 1-based): chr2:236,123,931, G>C. VCF-style: chr2-236123931-G-C. GRCh37 (hg19) VCF-style: chr2-237032575-G-C.
Other names: c.2383G>C (NM_001037131.2); c.2224G>C, p.Val742Leu (NM_014914.5); short protein forms V795L, V742L.
Identifiers: ClinVar variation 2175048 (VCV002175048.5), dbSNP rs150374292, ClinGen allele CA2185265.
Genomic context (GRCh38, chr2:236,123,931, plus strand): 5'-TCCATCACATCCCCCATGATACTAATGTGGGCTCCCTTACCTCCGCAGTACGGAGTGGAC[G>C]TCACGGCCCGAGATGCCCACGGGAACACAGCTCTGGCCTACGCCCGGCAGGCCTCCAGCC-3'
Protein context (NP_001032208.1, residues 785-805): AQLLIWYGVD[Val795Leu]TARDAHGNTA